The following is an entry in ClinVar:

ClinVar aggregate classification (germline): Likely benign (0 of 4 stars; one submission).

Conditions:
NCOA1-related disorder. Also called: NCOA1-related condition.

Allele frequency attached by ClinVar (database versions not stated): TOPMed below 0.00001; gnomAD 0.00001.
gnomAD v4.1: 9 of 1,614,092 alleles (0.00056%); highest among the groups gnomAD compares: African/African-American, 0.0013%; no homozygotes.

Submission:

PreventionGenetics, part of Exact Sciences
Classification: Likely benign for NCOA1-related condition. Last evaluated: 2020-08-04. Review status: no assertion criteria provided. Collection method: clinical testing. Allele origin: germline.
Comment: This variant is classified as likely benign based on ACMG/AMP sequence variant interpretation guidelines (Richards et al. 2015 PMID: 25741868, with internal and published modifications).

NM_003743.5(NCOA1):c.3429C>T (p.Asn1143=)

Gene: NCOA1 (nuclear receptor coactivator 1; plus strand). Cytogenetic location: 2p23.3.
Variant type: single nucleotide variant.
Coding change: c.3429C>T on transcript NM_003743.5 (MANE Select); coding-DNA position 3429, C replaced by T.
Protein change: p.Asn1143=; no amino-acid change (asparagine 1143 retained).
Molecular consequence: synonymous variant.
Genome position (GRCh38, 1-based): chr2:24,741,909, C>T. VCF-style: chr2-24741909-C-T. GRCh37 (hg19) VCF-style: chr2-24964778-C-T.
Other names: c.3429C>T, p.Asn1143= (NM_001362950.1, NM_001362952.1, NM_001362954.1 and 3 more transcripts).
Identifiers: ClinVar variation 3036621 (VCV003036621.2), dbSNP rs1046684212, ClinGen allele CA43661926.
Genomic context (GRCh38, chr2:24,741,909, plus strand): 5'-GAGGCAGCTAATACAGCAGCAAAGAGCCATGCTTATGAGGCAGCAAAGCTTTGGGAACAA[C>T]CTCCCTCCCTCATCTGGACTACCAGTTCAAATGGGGAACCCCCGTCTTCCTCAGGGTGCT-3'
Protein context (NP_003734.3, residues 1133-1153): MLMRQQSFGN[Asn1143=]LPPSSGLPVQ